The following is an entry in ClinVar:

ClinVar aggregate classification (germline): Uncertain significance (1 of 4 stars; one submission).

Conditions:
Neurofibromatosis, type 1 (NF1). Also called: Peripheral type neurofibromatosis; VON RECKLINGHAUSEN DISEASE; Neurofibromatosis, type I; NEUROFIBROMATOSIS, TYPE I, SOMATIC. Identifiers: Orphanet 636, MedGen C0027831, MONDO:0018975, OMIM 162200. Disease mechanism: loss of function.

Submission:

Labcorp Genetics (formerly Invitae), Labcorp
Classification: Uncertain significance for Neurofibromatosis, type 1. Last evaluated: 2024-03-21. Review status: criteria provided, single submitter. Criteria: Invitae Variant Classification Sherloc (09022015). Collection method: clinical testing. Allele origin: germline.
Comment: This sequence change falls in intron 31 of the NF1 gene. It does not directly change the encoded amino acid sequence of the NF1 protein. This variant is not present in population databases (gnomAD no frequency). This variant has not been reported in the literature in individuals affected with NF1-related conditions. Algorithms developed to predict the effect of sequence changes on RNA splicing suggest that this variant may disrupt the consensus splice site. In summary, the available evidence is currently insufficient to determine the role of this variant in disease. Therefore, it has been classified as a Variant of Uncertain Significance.

NM_001042492.3(NF1):c.4333-8T>G

Gene: NF1 (neurofibromin 1; plus strand). Cytogenetic location: 17q11.2.
Variant type: single nucleotide variant.
Coding change: c.4333-8T>G on transcript NM_001042492.3 (MANE Select); 8 bases into the intron before coding-DNA position 4333, T replaced by G.
Molecular consequence: intron variant.
Genome position (GRCh38, 1-based): chr17:31,259,024, T>G. VCF-style: chr17-31259024-T-G. GRCh37 (hg19) VCF-style: chr17-29586042-T-G.
Other names: c.4270-8T>G (NM_000267.4).
Identifiers: ClinVar variation 3641945 (VCV003641945.2).
Genomic context (GRCh38, chr17:31,259,024, plus strand): 5'-AATGTCTTAATGTATAGACTTCATACAATAAATAATCTGATTATTTATAACCCTGTTTTA[T>G]TGTGTAGATACTTCAGAGTATTGCCAATCATGTTCTCTTCACAAAAGAAGAACATATGCG-3'